The following is an entry in ClinVar:

NM_001172509.2(SATB2):c.300G>A (p.Ala100=)

Gene: SATB2 (SATB homeobox 2; minus strand). Cytogenetic location: 2q33.1.
Variant type: single nucleotide variant.
Coding change: c.300G>A on transcript NM_001172509.2 (MANE Select); coding-DNA position 300, G replaced by A.
Protein change: p.Ala100=; no amino-acid change (alanine 100 retained).
Molecular consequence: synonymous variant. On other transcripts: non-coding transcript variant (1).
Genome position (GRCh38, 1-based): chr2:199,433,384, C>T on the plus strand (G>A on the coding strand, the complement: SATB2 is on the minus strand). VCF-style: chr2-199433384-C-T. GRCh37 (hg19) VCF-style: chr2-200298107-C-T.
Other names: c.300G>A, p.Ala100= (NM_001172517.1, NM_015265.4).
Identifiers: ClinVar variation 3026190 (VCV003026190.24), dbSNP rs776492115, ClinGen allele CA2046120.

ClinVar aggregate classification (germline): Likely benign. Review status: criteria provided, multiple submitters, no conflicts (2 of 4 stars). 2 submissions from 2 submitters: Likely benign (2). Last evaluated 2024-06-05.

Conditions:
Chromosome 2q32-q33 deletion syndrome (GLASS). Also called: Glass syndrome; 2q33.1 deletion syndrome. Identifiers: Orphanet 251019, MedGen C2676739, MONDO:0012864, OMIM 612313.

Allele frequency attached by ClinVar (database versions not stated): ExAC 0.00003.

Submissions (2):

Labcorp Genetics (formerly Invitae), Labcorp
Classification: Likely benign for Chromosome 2q32-q33 deletion syndrome. Last evaluated: 2024-06-05. Review status: criteria provided, single submitter. Criteria: Invitae Variant Classification Sherloc (09022015). Collection method: clinical testing. Allele origin: germline.

CeGaT Center for Human Genetics Tuebingen
Classification: Likely benign. Last evaluated: 2023-12-01. Review status: criteria provided, single submitter. Criteria: CeGaT Center For Human Genetics Tuebingen Variant Classification Criteria Version 2. Collection method: clinical testing. Allele origin: germline. Affected: yes. Observed: 1 variant allele.
Comment: SATB2: BP4, BP7